The following is an entry in ClinVar:

ClinVar aggregate classification (germline): Pathogenic. Review status: criteria provided, multiple submitters, no conflicts (2 of 4 stars). 2 submissions from 2 submitters: Pathogenic (2). Last evaluated 2023-11-09.

Conditions:
Familial cancer of breast. Also called: BREAST CANCER, FAMILIAL; Hereditary breast cancer; hereditary breast carcinoma. Identifiers: Orphanet 227535, MedGen C0346153, MONDO:0016419, OMIM 114480. Disease mechanism: loss of function.

Submissions (2):

Labcorp Genetics (formerly Invitae), Labcorp
Classification: Pathogenic for Familial cancer of breast. Last evaluated: 2023-11-09. Review status: criteria provided, single submitter. Criteria: Invitae Variant Classification Sherloc (09022015). Collection method: clinical testing. Allele origin: germline.
Comment: This sequence change creates a premature translational stop signal (p.Tyr910Ilefs*13) in the PALB2 gene. It is expected to result in an absent or disrupted protein product. Loss-of-function variants in PALB2 are known to be pathogenic (PMID: 17200668, 17200671, 17200672, 24136930, 25099575). This variant is not present in population databases (gnomAD no frequency). This variant has not been reported in the literature in individuals affected with PALB2-related conditions. ClinVar contains an entry for this variant (Variation ID: 1365334). For these reasons, this variant has been classified as Pathogenic.

Myriad Genetics, Inc.
Classification: Pathogenic for Familial cancer of breast. Last evaluated: 2023-09-13. Review status: criteria provided, single submitter. Criteria: Myriad Autosomal Dominant, Autosomal Recessive and X-Linked Classification Criteria (2023). Collection method: clinical testing. Allele origin: unknown.
Comment: This variant is considered pathogenic. This variant creates a frameshift predicted to result in premature protein truncation.

Literature cited by the submitters: PubMed 17200668 (cited by Labcorp Genetics (formerly Invitae), Labcorp); PubMed 17200671 (cited by Labcorp Genetics (formerly Invitae), Labcorp); PubMed 17200672 (cited by Labcorp Genetics (formerly Invitae), Labcorp); PubMed 24136930 (cited by Labcorp Genetics (formerly Invitae), Labcorp); PubMed 25099575 (cited by Labcorp Genetics (formerly Invitae), Labcorp).

NM_024675.4(PALB2):c.2728del (p.Tyr910fs)

Gene: PALB2 (partner and localizer of BRCA2; minus strand). Cytogenetic location: 16p12.2.
Variant type: Deletion.
Coding change: c.2728del on transcript NM_024675.4 (MANE Select); coding-DNA position 2728, one base deleted (T; older notation c.2728delT).
Protein change: p.Tyr910fs; shifts the reading frame from tyrosine 910.
Molecular consequence: frameshift variant.
Genome position (GRCh38, 1-based): chr16:23,626,256, A deleted on the plus strand (T on the coding strand, the reverse complement: PALB2 is on the minus strand); the first of 3 consecutive A bases (chr16:23,626,256-23,626,258); deleting any one gives the same sequence. VCF-style (leftmost placement, unchanged base first): chr16-23626255-TA-T. GRCh37 (hg19) VCF-style: chr16-23637576-TA-T.
Other names: short protein forms Y910fs.
Identifiers: ClinVar variation 1365334 (VCV001365334.7), dbSNP rs730881869, ClinGen allele CA2573152182.
Genomic context (GRCh38, chr16:23,626,255, plus strand): 5'-ATGGCTGCAAAGATCTCTTTCAGCTCGAGATTCCCACTTACCTCTGCGAAGTGCCAGGTA[TA>T]AAGTTTTTCCCACTGCCAAGCATCCAGAGCTTTCCAAAGAGAAACTACATCTTCGCAAGC-3'